The following is an entry in ClinVar:

ClinVar aggregate classification (germline): Uncertain significance (1 of 4 stars; one submission).

Conditions:
Cardiovascular phenotype. Identifiers: MedGen CN230736.

Submission:

Ambry Genetics
Classification: Uncertain significance for Cardiovascular phenotype. Last evaluated: 2026-05-18. Review status: criteria provided, single submitter. Criteria: Ambry Variant Classification Scheme 2023. Collection method: clinical testing. Allele origin: germline.
Comment: The p.T749A variant (also known as c.2245A>G), located in coding exon 14 of the CBL gene, results from an A to G substitution at nucleotide position 2245. The threonine at codon 749 is replaced by alanine, an amino acid with similar properties. This amino acid position is conserved. In addition, this alteration is predicted to be tolerated by in silico analysis. Based on the available evidence, the clinical significance of this variant remains unclear.

NM_005188.4(CBL):c.2245A>G (p.Thr749Ala)

Gene: CBL (Cbl proto-oncogene; plus strand). Cytogenetic location: 11q23.3.
Variant type: single nucleotide variant.
Coding change: c.2245A>G on transcript NM_005188.4 (MANE Select); coding-DNA position 2245, A replaced by G.
Protein change: p.Thr749Ala; replaces threonine 749 with alanine.
Molecular consequence: missense variant.
Genome position (GRCh38, 1-based): chr11:119,297,475, A>G. VCF-style: chr11-119297475-A-G. GRCh37 (hg19) VCF-style: chr11-119168185-A-G.
Other names: short protein forms T749A.
Identifiers: ClinVar variation 4868264 (VCV004868264.1).
Genomic context (GRCh38, chr11:119,297,475, plus strand): 5'-TGTACGTATGAAGCAATGTATAATATTCAGTCCCAGGCGCCATCTATCACCGAGAGCAGC[A>G]CCTTTGGTAAGTTGCCATTCTGCTACTTTAAAAATCATTGATATGTCATAGGAATGAACA-3'
Protein context (NP_005179.2, residues 739-759): SQAPSITESS[Thr749Ala]FGEGNLAAAH